The following is an entry in ClinVar:

NM_000238.4(KCNH2):c.3092G>A (p.Gly1031Asp)

Gene: KCNH2 (potassium voltage-gated channel subfamily H member 2; minus strand). Cytogenetic location: 7q36.1.
Variant type: single nucleotide variant.
Coding change: c.3092G>A on transcript NM_000238.4 (MANE Select); coding-DNA position 3092, G replaced by A.
Protein change: p.Gly1031Asp; replaces glycine 1031 with aspartic acid.
Molecular consequence: missense variant.
Genome position (GRCh38, 1-based): chr7:150,947,388, C>T on the plus strand (G>A on the coding strand, the complement: KCNH2 is on the minus strand). VCF-style: chr7-150947388-C-T. GRCh37 (hg19) VCF-style: chr7-150644476-C-T.
Other names: c.2072G>A, p.Gly691Asp (NM_172057.3); short protein forms G691D, G1031D.
Identifiers: ClinVar variation 919480 (VCV000919480.8), dbSNP rs1391531244, ClinGen allele CA369852672.

ClinVar aggregate classification (germline): Uncertain significance. Review status: criteria provided, multiple submitters, no conflicts (2 of 4 stars). 2 submissions from 2 submitters: Uncertain significance (2). Last evaluated 2024-10-04.

Conditions:
Cardiac arrhythmia. Also called: Arrhythmia; Cardiac rhythm disease. Identifiers: MedGen C0003811, MONDO:0007263, HP:0011675.
Long QT syndrome (LQTS). Identifiers: MedGen C0023976, MeSH D008133, MONDO:0002442. Disease mechanism: loss of function. Inheritance: Various modes of inheritance.

Submissions (2):

Labcorp Genetics (formerly Invitae), Labcorp
Classification: Uncertain significance for Long QT syndrome. Last evaluated: 2024-10-04. Review status: criteria provided, single submitter. Criteria: Invitae Variant Classification Sherloc (09022015). Collection method: clinical testing. Allele origin: germline.
Comment: This sequence change replaces glycine, which is neutral and non-polar, with aspartic acid, which is acidic and polar, at codon 1031 of the KCNH2 protein (p.Gly1031Asp). This variant is not present in population databases (gnomAD no frequency). This variant has not been reported in the literature in individuals affected with KCNH2-related conditions. ClinVar contains an entry for this variant (Variation ID: 919480). An algorithm developed to predict the effect of missense changes on protein structure and function (PolyPhen-2) suggests that this variant is likely to be tolerated. In summary, the available evidence is currently insufficient to determine the role of this variant in disease. Therefore, it has been classified as a Variant of Uncertain Significance.

Color Diagnostics, LLC DBA Color Health
Classification: Uncertain significance for Cardiac arrhythmia. Last evaluated: 2023-12-04. Review status: criteria provided, single submitter. Criteria: ACMG Guidelines, 2015. Collection method: clinical testing. Allele origin: germline.
Comment: This missense variant replaces glycine with aspartic acid at codon 1031 of the KCNH2 protein. Computational prediction is inconclusive regarding the impact of this variant on protein structure and function (internally defined REVEL score threshold 0.5 < inconclusive < 0.7, PMID: 27666373). To our knowledge, functional studies have not been reported for this variant. This variant has not been reported in individuals affected with KCNH2-related disorders in the literature. This variant has not been identified in the general population by the Genome Aggregation Database (gnomAD). The available evidence is insufficient to determine the role of this variant in disease conclusively. Therefore, this variant is classified as a Variant of Uncertain Significance.